The following is an entry in ClinVar:

ClinVar aggregate classification (germline): Conflicting classifications of pathogenicity. Review status: criteria provided, conflicting classifications (1 of 4 stars). 2 submissions from 2 submitters: Uncertain significance (1); Likely benign (1). Last evaluated 2025-12-03.

Allele frequency attached by ClinVar (database versions not stated): ExAC 0.00001; gnomAD 0.00001; TOPMed 0.00001; gnomAD exomes 0.00002 and 0.00005.
gnomAD v4.1: 74 of 1,613,874 alleles (0.0046%); highest among the groups gnomAD compares: East Asian, 0.16%; no homozygotes.

Submissions (2):

Labcorp Genetics (formerly Invitae), Labcorp
Classification: Uncertain significance. Last evaluated: 2025-12-03. Review status: criteria provided, single submitter. Criteria: Invitae Variant Classification Sherloc (09022015). Collection method: clinical testing. Allele origin: germline.
Comment: This sequence change replaces glutamic acid, which is acidic and polar, with lysine, which is basic and polar, at codon 170 of the RNF43 protein (p.Glu170Lys). This variant is present in population databases (rs757680292, gnomAD 0.03%). This missense change has been observed in individual(s) with duodenal adenocarcinoma (PMID: 28767289). ClinVar contains an entry for this variant (Variation ID: 1514752). An algorithm developed to predict the effect of missense changes on protein structure and function (PolyPhen-2) suggests that this variant is likely to be tolerated. In summary, the available evidence is currently insufficient to determine the role of this variant in disease. Therefore, it has been classified as a Variant of Uncertain Significance.

Ambry Genetics
Classification: Likely benign. Last evaluated: 2024-07-30. Review status: criteria provided, single submitter. Criteria: Ambry Variant Classification Scheme 2023. Collection method: clinical testing. Allele origin: germline.

Literature cited by the submitters: PubMed 28767289 (cited by Labcorp Genetics (formerly Invitae), Labcorp).

NM_017763.6(RNF43):c.508G>A (p.Glu170Lys)

Gene: RNF43 (ring finger protein 43; minus strand). Cytogenetic location: 17q22.
Variant type: single nucleotide variant.
Coding change: c.508G>A on transcript NM_017763.6 (MANE Select); coding-DNA position 508, G replaced by A.
Protein change: p.Glu170Lys; replaces glutamic acid 170 with lysine.
Molecular consequence: missense variant.
Genome position (GRCh38, 1-based): chr17:58,363,349, C>T on the plus strand (G>A on the coding strand, the complement: RNF43 is on the minus strand). VCF-style: chr17-58363349-C-T. GRCh37 (hg19) VCF-style: chr17-56440710-C-T.
Other names: c.508G>A, p.Glu170Lys (NM_001305544.3); c.127G>A, p.Glu43Lys (NM_001305545.2); short protein forms E170K, E43K.
Identifiers: ClinVar variation 1514752 (VCV001514752.9), dbSNP rs757680292, ClinGen allele CA8673396.